The following is an entry in ClinVar:

ClinVar aggregate classification (germline): Uncertain significance (1 of 4 stars; one submission).

Conditions:
Holoprosencephaly 3 (HPE3). Identifiers: Orphanet 2162, MedGen C1840529, MONDO:0007733, OMIM 142945.

Submission:

Labcorp Genetics (formerly Invitae), Labcorp
Classification: Uncertain significance for Holoprosencephaly 3. Last evaluated: 2021-11-17. Review status: criteria provided, single submitter. Criteria: Invitae Variant Classification Sherloc (09022015). Collection method: clinical testing. Allele origin: germline.
Comment: This variant is not present in population databases (gnomAD no frequency). This sequence change replaces histidine, which is basic and polar, with tyrosine, which is neutral and polar, at codon 374 of the SHH protein (p.His374Tyr). This variant has not been reported in the literature in individuals affected with SHH-related conditions. In summary, the available evidence is currently insufficient to determine the role of this variant in disease. Therefore, it has been classified as a Variant of Uncertain Significance. Algorithms developed to predict the effect of missense changes on protein structure and function are either unavailable or do not agree on the potential impact of this missense change (SIFT: "Deleterious"; PolyPhen-2: "Possibly Damaging"; Align-GVGD: "Class C0").

NM_000193.4(SHH):c.1120C>T (p.His374Tyr)

Gene: SHH (sonic hedgehog signaling molecule; minus strand). Cytogenetic location: 7q36.3.
Variant type: single nucleotide variant.
Coding change: c.1120C>T on transcript NM_000193.4 (MANE Select); coding-DNA position 1120, C replaced by T.
Protein change: p.His374Tyr; replaces histidine 374 with tyrosine.
Molecular consequence: missense variant. On other transcripts: intron variant (1).
Genome position (GRCh38, 1-based): chr7:155,803,169, G>A on the plus strand (C>T on the coding strand, the complement: SHH is on the minus strand). VCF-style: chr7-155803169-G-A. GRCh37 (hg19) VCF-style: chr7-155595863-G-A.
Other names: c.302-2924C>T (NM_001310462.2); short protein forms H374Y.
Identifiers: ClinVar variation 1352129 (VCV001352129.6), dbSNP rs2117126217, ClinGen allele CA370145026.